The following is an entry in ClinVar:

ClinVar aggregate classification (germline): Uncertain significance (1 of 4 stars; one submission).

Allele frequency attached by ClinVar (database versions not stated): gnomAD exomes below 0.00001; TOPMed below 0.00001; ExAC 0.00001; gnomAD 0.00001; ESP Exome Variant Server 0.00008.
gnomAD v4.1: 4 of 1,614,042 alleles (0.00025%); highest among the groups gnomAD compares: Non-Finnish European, 0.00034%; no homozygotes.

Submission:

GeneDx
Classification: Uncertain significance. Last evaluated: 2021-04-16. Review status: criteria provided, single submitter. Criteria: GeneDx Variant Classification Process June 2021. Collection method: clinical testing. Allele origin: germline. Affected: yes.
Comment: Not observed in large population cohorts (Lek et al., 2016); In silico analysis supports that this missense variant has a deleterious effect on protein structure/function; Has not been previously published as pathogenic or benign to our knowledge

NM_005149.3(TBX19):c.389A>G (p.Asn130Ser)

Gene: TBX19 (T-box transcription factor 19; plus strand). Cytogenetic location: 1q24.2.
Variant type: single nucleotide variant.
Coding change: c.389A>G on transcript NM_005149.3 (MANE Select); coding-DNA position 389, A replaced by G.
Protein change: p.Asn130Ser; replaces asparagine 130 with serine.
Molecular consequence: missense variant.
Genome position (GRCh38, 1-based): chr1:168,291,345, A>G. VCF-style: chr1-168291345-A-G. GRCh37 (hg19) VCF-style: chr1-168260583-A-G.
Other names: short protein forms N130S.
Identifiers: ClinVar variation 1314595 (VCV001314595.2), dbSNP rs372115950, ClinGen allele CA1230473.
Genomic context (GRCh38, chr1:168,291,345, plus strand): 5'-CCGCTGGCAAGCCAGAGGTCTCCAGCCACAGCTGCGTCTACATTCACCCGGACTCCCCCA[A>G]CTTTGGGGCCCACTGGATGAAAGCTCCCATCTCCTTCAGCAAAGTGAAGCTGACCAACAA-3'
Protein context (NP_005140.1, residues 120-140): SCVYIHPDSP[Asn130Ser]FGAHWMKAPI